The following is an entry in ClinVar:

ClinVar aggregate classification (germline): Uncertain significance (1 of 4 stars; one submission).

Conditions:
Inborn genetic diseases. Identifiers: MedGen C0950123, MeSH D030342.

Submission:

Ambry Genetics
Classification: Uncertain significance for Inborn genetic diseases. Last evaluated: 2024-09-06. Review status: criteria provided, single submitter. Criteria: Ambry Variant Classification Scheme 2023. Collection method: clinical testing. Allele origin: germline.
Comment: The c.666-6T>C intronic alteration consists of a T to C substitution 6 nucleotides before coding exon 7 in the CLN6 gene. Based on insufficient or conflicting evidence, the clinical significance of this alteration remains unclear.

NM_017882.3(CLN6):c.666-6T>C

Gene: CLN6 (CLN6 transmembrane ER protein; minus strand). Cytogenetic location: 15q23.
Variant type: single nucleotide variant.
Coding change: c.666-6T>C on transcript NM_017882.3 (MANE Select); 6 bases into the intron before coding-DNA position 666, T replaced by C.
Molecular consequence: intron variant.
Genome position (GRCh38, 1-based): chr15:68,208,416, A>G on the plus strand (T>C on the coding strand, the complement: CLN6 is on the minus strand). VCF-style: chr15-68208416-A-G. GRCh37 (hg19) VCF-style: chr15-68500754-A-G.
Other names: c.762-6T>C (NM_001411068.1).
Identifiers: ClinVar variation 3493828 (VCV003493828.1).
Genomic context (GRCh38, chr15:68,208,416, plus strand): 5'-GGCGAAGAAGGTGAAGATGAAGAGGATGAAGATCTGGCCCTCGGTGACCAGGTACCTGGA[A>G]AGGCCAGGGGTGAGTGAGGCAGCTGCCGTGGCAACCCCGTCCTGCCTGGCATCCCTTCCT-3'